The following is an entry in ClinVar:

ClinVar aggregate classification (germline): Uncertain significance. Review status: criteria provided, multiple submitters, no conflicts (2 of 4 stars). 2 submissions from 2 submitters: Uncertain significance (2). Last evaluated 2024-10-17.

Conditions:
Nemaline myopathy 2 (NEM2). Also called: Nemaline myopathy 2, autosomal recessive. Identifiers: MedGen C1850569, MONDO:0009725, OMIM 256030.

Allele frequency attached by ClinVar (database versions not stated): gnomAD exomes below 0.00001; TOPMed 0.00001; ExAC 0.00002.
gnomAD v4.1: 4 of 1,577,024 alleles (0.00025%); highest among the groups gnomAD compares: East Asian, 0.0023%; no homozygotes.

Submissions (2):

Labcorp Genetics (formerly Invitae), Labcorp
Classification: Uncertain significance for Nemaline myopathy 2. Last evaluated: 2024-10-17. Review status: criteria provided, single submitter. Criteria: Invitae Variant Classification Sherloc (09022015). Collection method: clinical testing. Allele origin: germline.
Comment: This sequence change replaces isoleucine, which is neutral and non-polar, with valine, which is neutral and non-polar, at codon 1291 of the NEB protein (p.Ile1291Val). The frequency data for this variant in the population databases is considered unreliable, as metrics indicate poor data quality at this position in the gnomAD database. This variant has not been reported in the literature in individuals affected with NEB-related conditions. ClinVar contains an entry for this variant (Variation ID: 2154647). Experimental studies and prediction algorithms are not available or were not evaluated, and the functional significance of this variant is currently unknown. Algorithms developed to predict the effect of sequence changes on RNA splicing suggest that this variant may disrupt the consensus splice site. In summary, the available evidence is currently insufficient to determine the role of this variant in disease. Therefore, it has been classified as a Variant of Uncertain Significance.

Revvity Omics, Revvity
Classification: Uncertain significance. Last evaluated: 2021-04-29. Review status: criteria provided, single submitter. Criteria: ACMG Guidelines, 2015. Collection method: clinical testing. Allele origin: germline.

NM_001164508.2(NEB):c.3871A>G (p.Ile1291Val)

Gene: NEB (nebulin; minus strand). Cytogenetic location: 2q23.3.
Variant type: single nucleotide variant.
Coding change: c.3871A>G on transcript NM_001164508.2 (MANE Select); coding-DNA position 3871, A replaced by G.
Protein change: p.Ile1291Val; replaces isoleucine 1291 with valine.
Molecular consequence: missense variant.
Genome position (GRCh38, 1-based): chr2:151,675,295, T>C on the plus strand (A>G on the coding strand, the complement: NEB is on the minus strand). VCF-style: chr2-151675295-T-C. GRCh37 (hg19) VCF-style: chr2-152531809-T-C.
Other names: c.3871A>G, p.Ile1291Val (NM_001164507.2, NM_001271208.2, NM_004543.5); short protein forms I1291V.
Identifiers: ClinVar variation 2154647 (VCV002154647.5), dbSNP rs760069884, ClinGen allele CA1910810.